The following is an entry in ClinVar:

ClinVar aggregate classification (germline): Uncertain significance. Review status: criteria provided, multiple submitters, no conflicts (2 of 4 stars). 2 submissions from 2 submitters: Uncertain significance (2). Last evaluated 2024-04-01.

Allele frequency attached by ClinVar (database versions not stated): 1000 Genomes Project 30x 0.00016; 1000 Genomes Project 0.00020; gnomAD 0.00032; gnomAD exomes 0.00035 and 0.00056; ExAC 0.00037; TOPMed 0.00040; ESP Exome Variant Server 0.00108.
gnomAD v4.1: 856 of 1,613,620 alleles (0.053%); highest among the groups gnomAD compares: Non-Finnish European, 0.065%; 1 homozygote.

Submissions (2):

CeGaT Center for Human Genetics Tuebingen
Classification: Uncertain significance. Last evaluated: 2024-04-01. Review status: criteria provided, single submitter. Criteria: CeGaT Center For Human Genetics Tuebingen Variant Classification Criteria Version 2. Collection method: clinical testing. Allele origin: germline. Affected: yes. Observed: 1 variant allele.
Comment: PCLO: PM2, BP4

Labcorp Genetics (formerly Invitae), Labcorp
Classification: Uncertain significance. Last evaluated: 2024-01-19. Review status: criteria provided, single submitter. Criteria: Invitae Variant Classification Sherloc (09022015). Collection method: clinical testing. Allele origin: germline.
Comment: This sequence change replaces alanine, which is neutral and non-polar, with threonine, which is neutral and polar, at codon 962 of the PCLO protein (p.Ala962Thr). This variant is present in population databases (rs199875203, gnomAD 0.2%). This variant has not been reported in the literature in individuals affected with PCLO-related conditions. ClinVar contains an entry for this variant (Variation ID: 1361991). Experimental studies and prediction algorithms are not available or were not evaluated, and the functional significance of this variant is currently unknown. In summary, the available evidence is currently insufficient to determine the role of this variant in disease. Therefore, it has been classified as a Variant of Uncertain Significance.

NM_033026.6(PCLO):c.2884G>A (p.Ala962Thr)

Gene: PCLO (piccolo presynaptic cytomatrix protein; minus strand). Cytogenetic location: 7q21.11.
Variant type: single nucleotide variant.
Coding change: c.2884G>A on transcript NM_033026.6 (MANE Select); coding-DNA position 2884, G replaced by A.
Protein change: p.Ala962Thr; replaces alanine 962 with threonine.
Molecular consequence: missense variant.
Genome position (GRCh38, 1-based): chr7:83,134,666, C>T on the plus strand (G>A on the coding strand, the complement: PCLO is on the minus strand). VCF-style: chr7-83134666-C-T. GRCh37 (hg19) VCF-style: chr7-82763982-C-T.
Other names: c.2884G>A, p.Ala962Thr (NM_014510.3); short protein forms A962T.
Identifiers: ClinVar variation 1361991 (VCV001361991.24), dbSNP rs199875203, ClinGen allele CA4321178.